The following is an entry in ClinVar:

ClinVar aggregate classification (germline): Likely pathogenic. Review status: no assertion criteria provided (0 of 4 stars). 2 submissions from 2 submitters: Likely pathogenic (1). 1 of the submissions does not count toward it. Last evaluated 2020-11-01.

Conditions:
von Willebrand disease type 3 (VWD3). Also called: Type 3 Von Willebrand's disease; Type 3 VWD; Von Willebrand disease, severe form; V WD3; VON WILLEBRAND DISEASE, TYPE III. Identifiers: Orphanet 166096, MedGen C1264041, MONDO:0010191, OMIM 277480.

Allele frequency attached by ClinVar (database versions not stated): gnomAD 0.00001.
gnomAD v4.1: 1 of 1,613,978 alleles (0.000062%); highest among the groups gnomAD compares: South Asian, 0.0011%; no homozygotes.

Submissions (2):

Angelo Bianchi Bonomi Hemophilia and Thrombosis Center, Fondazione IRCCS Ca Granda Ospedale Maggiore Policlinico
Classification: Likely pathogenic for von Willebrand disease type 3. Last evaluated: 2020-11-01. Review status: no assertion criteria provided. Collection method: clinical testing. Allele origin: germline. Affected: yes. Study: Type 3 Von Willebrand International Registries Inhibitor Prospective Study (3WINTERS-IPS).
Comment: ClinGen Pathogenicity Calculator

Academic Unit of Haematology, University of Sheffield
No classification provided. Review status: no classification provided. Collection method: not provided. Allele origin: not provided. Not counted in ClinVar's aggregate classification.

NM_000552.5(VWF):c.8012G>A (p.Cys2671Tyr)

Gene: VWF (von Willebrand factor; minus strand). Cytogenetic location: 12p13.31.
Variant type: single nucleotide variant.
Coding change: c.8012G>A on transcript NM_000552.5 (MANE Select); coding-DNA position 8012, G replaced by A.
Protein change: p.Cys2671Tyr; replaces cysteine 2671 with tyrosine.
Molecular consequence: missense variant.
Genome position (GRCh38, 1-based): chr12:5,952,494, C>T on the plus strand (G>A on the coding strand, the complement: VWF is on the minus strand). VCF-style: chr12-5952494-C-T. GRCh37 (hg19) VCF-style: chr12-6061660-C-T.
Other names: short protein forms C2671Y.
Identifiers: ClinVar variation 100488 (VCV000100488.4), dbSNP rs61751303, ClinGen allele CA228821.